The following is an entry in ClinVar:

ClinVar aggregate classification (germline): Uncertain significance (1 of 4 stars; one submission).

Conditions:
Hereditary orotic aciduria, type 1. Also called: Orotic aciduria type 1; Oroticaciduria 1. Identifiers: MedGen C0268130.

Submission:

Labcorp Genetics (formerly Invitae), Labcorp
Classification: Uncertain significance for Hereditary orotic aciduria, type 1. Last evaluated: 2019-06-29. Review status: criteria provided, single submitter. Criteria: Invitae Variant Classification Sherloc (09022015). Collection method: clinical testing. Allele origin: germline.
Comment: In summary, the available evidence is currently insufficient to determine the role of this variant in disease. Therefore, it has been classified as a Variant of Uncertain Significance. This sequence change replaces isoleucine with lysine at codon 150 of the UMPS protein (p.Ile150Lys). The isoleucine residue is moderately conserved and there is a moderate physicochemical difference between isoleucine and lysine. This variant is not present in population databases (ExAC no frequency). This variant has not been reported in the literature in individuals with UMPS-related conditions. Algorithms developed to predict the effect of missense changes on protein structure and function are either unavailable or do not agree on the potential impact of this missense change (SIFT: "Deleterious"; PolyPhen-2: "Possibly Damaging"; Align-GVGD: "Class C0").

NM_000373.4(UMPS):c.449T>A (p.Ile150Lys)

Gene: UMPS (uridine monophosphate synthetase; plus strand). Cytogenetic location: 3q21.2.
Variant type: single nucleotide variant.
Coding change: c.449T>A on transcript NM_000373.4 (MANE Select); coding-DNA position 449, T replaced by A.
Protein change: p.Ile150Lys; replaces isoleucine 150 with lysine.
Molecular consequence: missense variant. On other transcripts: non-coding transcript variant (2).
Genome position (GRCh38, 1-based): chr3:124,737,706, T>A. VCF-style: chr3-124737706-T-A. GRCh37 (hg19) VCF-style: chr3-124456553-T-A.
Other names: short protein forms I150K.
Identifiers: ClinVar variation 947004 (VCV000947004.9), dbSNP rs757137245, ClinGen allele CA354273376.